The following is an entry in ClinVar:

ClinVar aggregate classification (germline): Likely benign (1 of 4 stars; one submission).

gnomAD v4.1: 2 of 1,613,964 alleles (0.00012%); highest among the groups gnomAD compares: Admixed American, 0.0017%; no homozygotes.

Submission:

CeGaT Center for Human Genetics Tuebingen
Classification: Likely benign. Last evaluated: 2025-11-01. Review status: criteria provided, single submitter. Criteria: CeGaT Center For Human Genetics Tuebingen Variant Classification Criteria Version 2. Collection method: clinical testing. Allele origin: germline. Affected: yes. Observed: 1 variant allele.
Comment: DHX9: BP4, BP7

NM_001357.5(DHX9):c.1092C>A (p.Leu364=)

Gene: DHX9 (DExH-box helicase 9; plus strand). Cytogenetic location: 1q25.3.
Variant type: single nucleotide variant.
Coding change: c.1092C>A on transcript NM_001357.5 (MANE Select); coding-DNA position 1092, C replaced by A.
Protein change: p.Leu364=; no amino-acid change (leucine 364 retained).
Molecular consequence: synonymous variant. On other transcripts: non-coding transcript variant (1).
Genome position (GRCh38, 1-based): chr1:182,859,069, C>A. VCF-style: chr1-182859069-C-A. GRCh37 (hg19) VCF-style: chr1-182828204-C-A.
Identifiers: ClinVar variation 4535179 (VCV004535179.6).